The following is an entry in ClinVar:

NM_005901.6(SMAD2):c.236+3A>G

Gene: SMAD2 (SMAD family member 2; minus strand). Cytogenetic location: 18q21.1.
Variant type: single nucleotide variant.
Coding change: c.236+3A>G on transcript NM_005901.6 (MANE Select); 3 bases into the intron after coding-DNA position 236, A replaced by G.
Molecular consequence: intron variant.
Genome position (GRCh38, 1-based): chr18:47,896,518, T>C on the plus strand (A>G on the coding strand, the complement: SMAD2 is on the minus strand). VCF-style: chr18-47896518-T-C. GRCh37 (hg19) VCF-style: chr18-45422889-T-C.
Other names: c.236+3A>G (NM_001135937.3, NM_001003652.4).
Identifiers: ClinVar variation 3717046 (VCV003717046.2).

ClinVar aggregate classification (germline): Uncertain significance (1 of 4 stars; one submission).

gnomAD v4.1: 7 of 1,613,968 alleles (0.00043%); highest among the groups gnomAD compares: Non-Finnish European, 0.00059%; no homozygotes.

Submission:

Labcorp Genetics (formerly Invitae), Labcorp
Classification: Uncertain significance. Last evaluated: 2024-12-19. Review status: criteria provided, single submitter. Criteria: Invitae Variant Classification Sherloc (09022015). Collection method: clinical testing. Allele origin: germline.
Comment: This sequence change falls in intron 2 of the SMAD2 gene. It does not directly change the encoded amino acid sequence of the SMAD2 protein. It affects a nucleotide within the consensus splice site. The frequency data for this variant in the population databases is considered unreliable, as metrics indicate poor data quality at this position in the gnomAD database. This variant has not been reported in the literature in individuals affected with SMAD2-related conditions. Variants that disrupt the consensus splice site are a relatively common cause of aberrant splicing (PMID: 17576681, 9536098). Algorithms developed to predict the effect of sequence changes on RNA splicing suggest that this variant is not likely to affect RNA splicing. In summary, the available evidence is currently insufficient to determine the role of this variant in disease. Therefore, it has been classified as a Variant of Uncertain Significance.

Literature cited by the submitters: PubMed 17576681; PubMed 9536098.